The following is an entry in ClinVar:

ClinVar aggregate classification (germline): Uncertain significance (1 of 4 stars; one submission).

Conditions:
Multiple epiphyseal dysplasia, Al-Gazali type. Also called: Macrocephaly with multiple epiphyseal dysplasia and distinctive facies. Identifiers: Orphanet 166024, MedGen C1846722, MONDO:0011778, OMIM 607131.

Submission:

Baylor Genetics
Classification: Uncertain significance for Multiple epiphyseal dysplasia, Al-Gazali type. Last evaluated: 2020-06-03. Review status: criteria provided, single submitter. Criteria: ACMG Guidelines, 2015. Collection method: clinical testing. Allele origin: unknown. Affected: yes.
Comment: This variant was determined to be of uncertain significance according to ACMG Guidelines, 2015 [PMID:25741868].

NM_198525.3(KIF7):c.848G>A (p.Gly283Asp)

Gene: KIF7 (kinesin family member 7; minus strand). Cytogenetic location: 15q26.1.
Variant type: single nucleotide variant.
Coding change: c.848G>A on transcript NM_198525.3 (MANE Select); coding-DNA position 848, G replaced by A.
Protein change: p.Gly283Asp; replaces glycine 283 with aspartic acid.
Molecular consequence: missense variant.
Genome position (GRCh38, 1-based): chr15:89,649,049, C>T on the plus strand (G>A on the coding strand, the complement: KIF7 is on the minus strand). VCF-style: chr15-89649049-C-T. GRCh37 (hg19) VCF-style: chr15-90192280-C-T.
Other names: short protein forms G283D.
Identifiers: ClinVar variation 1027932 (VCV001027932.1), dbSNP rs1964076095, ClinGen allele CA393774265.